The following is an entry in ClinVar:

NM_000138.5(FBN1):c.412A>C (p.Lys138Gln)

Gene: FBN1 (fibrillin 1; minus strand). Cytogenetic location: 15q21.1.
Variant type: single nucleotide variant.
Coding change: c.412A>C on transcript NM_000138.5 (MANE Select); coding-DNA position 412, A replaced by C.
Protein change: p.Lys138Gln; replaces lysine 138 with glutamine.
Molecular consequence: missense variant.
Genome position (GRCh38, 1-based): chr15:48,600,169, T>G on the plus strand (A>C on the coding strand, the complement: FBN1 is on the minus strand). VCF-style: chr15-48600169-T-G. GRCh37 (hg19) VCF-style: chr15-48892366-T-G.
Other names: short protein forms K138Q.
Identifiers: ClinVar variation 263825 (VCV000263825.3), dbSNP rs886038937, ClinGen allele CA10587863.

ClinVar aggregate classification (germline): Uncertain significance (1 of 4 stars; one submission).

Conditions:
Cardiovascular phenotype. Identifiers: MedGen CN230736.

Submission:

Ambry Genetics
Classification: Uncertain significance for Cardiovascular phenotype. Last evaluated: 2014-03-19. Review status: criteria provided, single submitter. Criteria: Ambry Autosomal Dominant and X-Linked criteria (10/2015). Collection method: clinical testing. Allele origin: germline. Observed: 1 variant allele.
Comment: The p.K138Q variant (also known as c.412A>C), located in coding exon 4 of the FBN1 gene in the EGF-like #2 domain, results from an A to C substitution at nucleotide position 412. The lysine at codon 138 is replaced by glutamine, an amino acid with some similar properties. This variant was not reported in population-based cohorts in the following databases: Database of Single Nucleotide Polymorphisms (dbSNP), NHLBI Exome Sequencing Project (ESP), and 1000 Genomes Project. Based on protein sequence alignment, this amino acid position is highly conserved in available vertebrate species. In addition, this alteration is predicted to be probably damaging by PolyPhen but tolerated by SIFT in silico analyses. Since supporting evidence is limited at this time, the clinical significance of this variant remains unclear.